The following is an entry in ClinVar:

NM_001148.6(ANK2):c.*951C>T

Gene: ANK2 (ankyrin 2; plus strand). Cytogenetic location: 4q26.
Variant type: single nucleotide variant.
Coding change: c.*951C>T on transcript NM_001148.6 (MANE Select); 951 bases downstream of the stop codon, C replaced by T.
Molecular consequence: 3 prime UTR variant.
Genome position (GRCh38, 1-based): chr4:113,382,422, C>T. VCF-style: chr4-113382422-C-T. GRCh37 (hg19) VCF-style: chr4-114303578-C-T.
Other names: c.*951C>T (NM_001127493.3, NM_001354225.2, NM_001354228.2 and 67 more transcripts); c.*782C>T (NM_001386174.1, NM_001386175.1).
Identifiers: ClinVar variation 899523 (VCV000899523.4), dbSNP rs139693273, ClinGen allele CA103831541.
Genomic context (GRCh38, chr4:113,382,422, plus strand): 5'-GAATGAACCGATGGGGTATTCAGTTGCTGGCAGCTACATTGTGTGGCATTCTAGCATCTT[C>T]AGGTCTTTAGATCTTGGACAAGTTGGCAGGGTATTTTAAAAGCTATAACTACTGTAGTTT-3'

ClinVar aggregate classification (germline): Likely benign (1 of 4 stars; one submission).

Conditions:
Cardiac arrhythmia, ankyrin-B-related. Also called: ANKYRIN-B SYNDROME. Identifiers: Orphanet 101016, Orphanet 768, MedGen C1970119, MONDO:0010958, OMIM 600919.

Allele frequency attached by ClinVar (database versions not stated): gnomAD 0.00035 and 0.00039; TOPMed 0.00037; 1000 Genomes Project 30x 0.00047; 1000 Genomes Project 0.00060.

Submission:

Illumina Laboratory Services, Illumina
Classification: Likely benign for Cardiac arrhythmia, ankyrin-B-related. Last evaluated: 2018-01-13. Review status: criteria provided, single submitter. Criteria: ICSL Variant Classification Criteria 13 December 2019. Collection method: clinical testing. Allele origin: germline.
Comment: This variant was observed in the ICSL laboratory as part of a predisposition screen in an ostensibly healthy population. It had not been previously curated by ICSL or reported in the Human Gene Mutation Database (HGMD: prior to June 1st, 2018), and was therefore a candidate for classification through an automated scoring system. Utilizing variant allele frequency, disease prevalence and penetrance estimates, and inheritance mode, an automated score was calculated to assess if this variant is too frequent to cause the disease. Based on the score and internal cut-off values, a variant classified as likely benign is not then subjected to further curation. The score for this variant resulted in a classification of likely benign for this disease.